The following is an entry in ClinVar:

ClinVar aggregate classification (germline): Uncertain significance (1 of 4 stars; one submission).

Allele frequency attached by ClinVar (database versions not stated): gnomAD exomes below 0.00001; ExAC 0.00001; gnomAD 0.00001.
gnomAD v4.1: 6 of 1,608,778 alleles (0.00037%); highest among the groups gnomAD compares: African/African-American, 0.0053%; no homozygotes.

Submission:

Labcorp Genetics (formerly Invitae), Labcorp
Classification: Uncertain significance. Last evaluated: 2019-12-28. Review status: criteria provided, single submitter. Criteria: Invitae Variant Classification Sherloc (09022015). Collection method: clinical testing. Allele origin: germline.
Comment: In summary, the available evidence is currently insufficient to determine the role of this variant in disease. Therefore, it has been classified as a Variant of Uncertain Significance. Nucleotide substitutions within the consensus splice site are a relatively common cause of aberrant splicing (PMID: 17576681, 9536098). Algorithms developed to predict the effect of sequence changes on RNA splicing suggest that this variant may disrupt the consensus splice site, but this prediction has not been confirmed by published transcriptional studies. This variant has not been reported in the literature in individuals with CEP250-related conditions. This variant is present in population databases (rs759613012, ExAC 0.008%). This sequence change falls in intron 31 of the CEP250 gene. It does not directly change the encoded amino acid sequence of the CEP250 protein, but it affects a nucleotide within the consensus splice site of the intron.

Literature cited by the submitters: PubMed 17576681; PubMed 9536098.

NM_007186.6(CEP250):c.6750+5G>A

Gene: CEP250 (centrosomal protein 250; plus strand). Cytogenetic location: 20q11.22.
Variant type: single nucleotide variant.
Coding change: c.6750+5G>A on transcript NM_007186.6 (MANE Select); 5 bases into the intron after coding-DNA position 6750, G replaced by A.
Molecular consequence: intron variant.
Genome position (GRCh38, 1-based): chr20:35,507,856, G>A. VCF-style: chr20-35507856-G-A. GRCh37 (hg19) VCF-style: chr20-34095685-G-A.
Other names: c.4854+5G>A (NM_001318219.1).
Identifiers: ClinVar variation 860193 (VCV000860193.8), dbSNP rs759613012, ClinGen allele CA9834136.